The following is an entry in ClinVar:

ClinVar aggregate classification (germline): Likely benign. Review status: reviewed by expert panel (3 of 4 stars). 5 submissions from 5 submitters: Likely benign (1). 4 of the submissions do not count toward it. Last evaluated 2025-05-19.

Conditions:
RS1-related disorder. Also called: RS1-related condition.
Juvenile retinoschisis (RS1). Also called: X-Linked Juvenile Retinoschisis; X-linked retinoschisis. Identifiers: Orphanet 792, MedGen C3714753, MONDO:0010725, OMIM 312700.

Allele frequency attached by ClinVar (database versions not stated): TOPMed 0.00003; gnomAD exomes 0.00007 and 0.00018; ExAC 0.00010; gnomAD 0.00010; ESP Exome Variant Server 0.00019.
gnomAD v4.1: 208 of 1,206,691 alleles (0.017%); highest among the groups gnomAD compares: Non-Finnish European, 0.022%; no homozygotes.

Submissions (5):

ClinGen X-linked Inherited Retinal Disease Variant Curation Expert Panel, ClinGen
Classification: Likely benign for Juvenile retinoschisis. Last evaluated: 2025-05-19. Review status: reviewed by expert panel. Criteria: ClinGen X LinkedIRD ACMG Specifications RS1 V1.0.0. Collection method: curation. Allele origin: germline. Inheritance: X-linked inheritance.
Comment: The NM_000330.4(RS1):c.88G>A variant is a missense variant encoding the substitution of Glutamic acid with Lysine at amino acid 30. This variant is present in gnomAD v.4.1.0 at a frequency of 0.0001598 among hemizygous individuals, with 63 variant alleles / 394247 total alleles, which is higher than the ClinGen X-linked IRD VCEP BS1 threshold of >>0.00002 (BS1). The computational predictor REVEL gives a score of 0.479, which is between the ClinGen X-linked IRD VCEP threshold of >0.664 and <0.290 and does not predict a damaging effect on RS1 function. Additionally, the splicing impact predictor SpliceAI gives a score of 0.01, which is below the ClinGen X-linked IRD VCEP recommended threshold of ≥0.2 and does not strongly predict an impact on splicing. Collectively, the BP4 and PP3 codes do not apply. In summary, this variant is classified as likely benign for X-linked retinoschisis based on the ClinGen X-linked Inherited Retinal Disease Expert Panel Specifications to the ACMG/AMP Variant Interpretation Guidelines for RS1 Version 1.0.0: BS1. (date of approval 01/24/2025).

Labcorp Genetics (formerly Invitae), Labcorp
Classification: Benign. Last evaluated: 2025-11-23. Review status: criteria provided, single submitter. Criteria: Invitae Variant Classification Sherloc (09022015). Collection method: clinical testing. Allele origin: germline. Not counted in ClinVar's aggregate classification.

PreventionGenetics, part of Exact Sciences
Classification: Likely benign for RS1-related condition. Last evaluated: 2024-10-24. Review status: criteria provided, single submitter. Criteria: ACMG Guidelines, 2015. Collection method: clinical testing. Allele origin: germline. Not counted in ClinVar's aggregate classification.
Comment: This variant is classified as likely benign based on ACMG/AMP sequence variant interpretation guidelines (Richards et al. 2015 PMID: 25741868, with internal and published modifications).

Blueprint Genetics
Classification: Likely benign. Last evaluated: 2024-08-08. Review status: criteria provided, single submitter. Criteria: ACMG Guidelines, 2015. Collection method: clinical testing. Allele origin: germline. Not counted in ClinVar's aggregate classification.

Natera, Inc.
Classification: Likely benign for X-linked retinoschisis. Last evaluated: 2020-05-16. Review status: no assertion criteria provided. Collection method: clinical testing. Allele origin: germline. Not counted in ClinVar's aggregate classification.

NM_000330.4(RS1):c.88G>A (p.Glu30Lys)

Gene: RS1 (retinoschisin 1; minus strand). Cytogenetic location: Xp22.13.
Variant type: single nucleotide variant.
Coding change: c.88G>A on transcript NM_000330.4 (MANE Select); coding-DNA position 88, G replaced by A.
Protein change: p.Glu30Lys; replaces glutamic acid 30 with lysine.
Molecular consequence: missense variant.
Genome position (GRCh38, 1-based): chrX:18,656,749, C>T on the plus strand (G>A on the coding strand, the complement: RS1 is on the minus strand). VCF-style: chrX-18656749-C-T. GRCh37 (hg19) VCF-style: chrX-18674869-C-T.
Other names: NM_000330.4(RS1):c.88G>A; p.Glu30Lys; short protein forms E30K.
Identifiers: ClinVar variation 722780 (VCV000722780.15), dbSNP rs146477940, ClinGen allele CA10360807.